The following is an entry in ClinVar:

NM_004415.4(DSP):c.1696G>A (p.Ala566Thr)

Gene: DSP (desmoplakin; plus strand). Cytogenetic location: 6p24.3.
Variant type: single nucleotide variant.
Coding change: c.1696G>A on transcript NM_004415.4 (MANE Select); coding-DNA position 1696, G replaced by A.
Protein change: p.Ala566Thr; replaces alanine 566 with threonine.
Molecular consequence: missense variant.
Genome position (GRCh38, 1-based): chr6:7,570,558, G>A. VCF-style: chr6-7570558-G-A. GRCh37 (hg19) VCF-style: chr6-7570791-G-A.
Other names: p.A566T:GCC>ACC; c.1696G>A, p.Ala566Thr (NM_001008844.3, NM_001319034.2); short protein forms A566T.
Identifiers: ClinVar variation 161226 (VCV000161226.49), dbSNP rs148147581, ClinGen allele CA004119.
Genomic context (GRCh38, chr6:7,570,558, plus strand): 5'-AGCCTGGTGTCCTGGCACTACTGCATGATTGACATAGAGAAGATCAGGGCCATGACAATC[G>A]CCAAGGTATGTCCTCAGGGCCACTTAGGCTGCCTGGAGGGAGGGCAGCGCTGCCCCCCGC-3'
Protein context (NP_004406.2, residues 556-576): DIEKIRAMTI[Ala566Thr]KLKTMRQEDY

ClinVar aggregate classification (germline): Conflicting classifications of pathogenicity. Review status: criteria provided, conflicting classifications (1 of 4 stars). 20 submissions from 18 submitters: Uncertain significance (5); Likely benign (9). 6 of the submissions do not count toward it. Last evaluated 2026-01-10.

Conditions:
Arrhythmogenic cardiomyopathy with wooly hair and keratoderma. Also called: Carvajal syndrome; Dilated cardiomyopathy with woolly hair and keratoderma; PALMOPLANTAR KERATODERMA WITH LEFT VENTRICULAR CARDIOMYOPATHY AND WOOLLY HAIR; Arrhythmogenic cardiomyopathy with woolly hair and keratoderma. Identifiers: Orphanet 65282, MedGen C1854063, MONDO:0011581, OMIM 605676.
Arrhythmogenic right ventricular dysplasia 8 (ARVD8). Also called: Arrhythmogenic Right Ventricular Dysplasia/Cardiomyopathy 8; ARRHYTHMOGENIC RIGHT VENTRICULAR DYSPLASIA, FAMILIAL, 8; ARRHYTHMOGENIC RIGHT VENTRICULAR CARDIOMYOPATHY 8. Identifiers: MedGen C1843896, MONDO:0011831, OMIM 607450.
Cardiomyopathy, dilated, with wooly hair, keratoderma, and tooth agenesis. Also called: Erythrokeratodermia-cardiomyopathy syndrome; Cardiomyopathy, dilated, with woolly hair, keratoderma, and tooth agenesis. Identifiers: Orphanet 476096, Orphanet 65282, MedGen C4014393, MONDO:0014355, OMIM 615821.
Cardiovascular phenotype. Identifiers: MedGen CN230736.
Woolly hair-skin fragility syndrome (WHSF). Identifiers: Orphanet 293165, MedGen C1843292, MONDO:0957307, OMIM 620415.
Lethal acantholytic epidermolysis bullosa (EBLA). Identifiers: Orphanet 158687, MedGen C1864826, MONDO:0012323, OMIM 609638.
Keratosis palmoplantaris striata 2. Also called: Keratosis palmoplantaris striata II; KERATODERMA, PALMOPLANTAR, STRIATE FORM II; STRIATE PALMOPLANTAR KERATODERMA II. Identifiers: MedGen C1852127, MONDO:0013034, OMIM 612908.
Cardiomyopathy (CMYO). Also called: Cardiomyopathies. Identifiers: Orphanet 167848, MedGen C0878544, MONDO:0004994, HP:0001638. Inheritance: Various modes of inheritance.
Arrhythmogenic right ventricular cardiomyopathy (ARVD). Also called: Cardiomyopathy, ARVC; Arrhythmogenic right ventricular dysplasia; Arrhythmogenic cardiomyopathy; Arrhythmogenic Right Ventricular Cardiomyopathy (ARVC). Identifiers: Orphanet 247, MedGen C0349788, MeSH D019571, MONDO:0016587. Disease mechanism: loss of function. Inheritance: Various modes of inheritance.
Skin fragility with non-scarring blistering. Identifiers: MedGen C1851562, HP:0007585.
Palmoplantar blistering. Identifiers: MedGen C4024876, HP:0007446.

Allele frequency attached by ClinVar (database versions not stated): 1000 Genomes Project 30x 0.00016; ExAC 0.00018; 1000 Genomes Project 0.00020; gnomAD exomes 0.00020 and 0.00031; gnomAD 0.00026 and 0.00027; TOPMed 0.00026; ESP Exome Variant Server 0.00038.
gnomAD v4.1: 488 of 1,612,928 alleles (0.03%); highest among the groups gnomAD compares: Non-Finnish European, 0.037%; no homozygotes.

Submissions 1 to 13 of 20:

Labcorp Genetics (formerly Invitae), Labcorp
Classification: Likely benign for Arrhythmogenic cardiomyopathy with wooly hair and keratoderma; Arrhythmogenic right ventricular dysplasia 8. Last evaluated: 2026-01-10. Review status: criteria provided, single submitter. Criteria: Invitae Variant Classification Sherloc (09022015). Collection method: clinical testing. Allele origin: germline.

GeneDx
Classification: Uncertain significance. Last evaluated: 2025-07-11. Review status: criteria provided, single submitter. Criteria: GeneDx Variant Classification Process June 2021. Collection method: clinical testing. Allele origin: germline. Affected: yes.
Comment: Published in association with ARVC, HCM, and DCM, and found to independently segregate with disease in a relative of a proband with ARVC (PMID: 16774985, 21606396, 27000522, 25351510, 28045975); Identified in a patient with sudden death and in a cohort of stillbirth cases (PMID: 35087879, 38813989); Functional studies suggest that the p.(A566T) variant alone is insufficient to impair protein function (PMID: 25225338); In silico analysis suggests that this missense variant does not alter protein structure/function; This variant is associated with the following publications: (PMID: 25637381, 24055113, 21606396, 23299917, 26332594, 25351510, 28045975, 31402444, 26606670, 36142674, 22949226, 33652588, 35653365, 16774985, 27000522, 35087879, 38813989, 25225338, 31785789)

Blueprint Genetics
Classification: Likely benign. Last evaluated: 2024-11-19. Review status: criteria provided, single submitter. Criteria: ACMG Guidelines, 2015. Collection method: clinical testing. Allele origin: germline.

Women's Health and Genetics/Laboratory Corporation of America, LabCorp
Classification: Likely benign. Last evaluated: 2024-06-10. Review status: criteria provided, single submitter. Criteria: LabCorp Variant Classification Summary - May 2015. Collection method: clinical testing. Allele origin: germline.
Comment: Variant summary: DSP c.1696G>A (p.Ala566Thr) results in a non-conservative amino acid change located in the spectrin-like domain (IPR041573) of the encoded protein sequence. Three of five in-silico tools predict a benign effect of the variant on protein function. The variant allele was found at a frequency of 0.0002 in 251036 control chromosomes, predominantly at a frequency of 0.00034 within the Non-Finnish European subpopulation in the gnomAD database. The observed variant frequency within Non-Finnish European control individuals in the gnomAD database is approximately 1.7 fold of the estimated maximal expected allele frequency for a pathogenic variant in DSP causing Arrhythmogenic Right Ventricular Dysplasia/Cardiomyopathy phenotype (0.0002). The variant, c.1696G>A, has been reported in the literature in individuals affected with Arrhythmogenic Right Ventricular Dysplasia/Cardiomyopathy and other cardiac phenotypes, however several of these reported affected individuals carried a co-occurring (likely) pathogenic variant, which could explain the phenotype (e.g. Cox_2011, Begay_2016, Franaszczyk_2017). These reports do not provide unequivocal conclusions about association of the variant with Arrhythmogenic Right Ventricular Dysplasia/Cardiomyopathy. At least one publication reported experimental evidence evaluating an impact on protein function and demonstrated no significant changes for the A566T variant (Patel_2014). The following publications have been ascertained in the context of this evaluation (PMID: 21606396, 28008423, 28045975, 25225338). ClinVar contains an entry for this variant (Variation ID: 161226). Based on the evidence outlined above, the variant was classified as likely benign.

Mayo Clinic Laboratories, Mayo Clinic
Classification: Uncertain significance. Last evaluated: 2022-04-08. Review status: criteria provided, single submitter. Criteria: ACMG Guidelines, 2015. Collection method: clinical testing. Allele origin: germline. Observed: 1 variant allele.

Ambry Genetics
Classification: Likely benign for Cardiovascular phenotype. Last evaluated: 2022-02-28. Review status: criteria provided, single submitter. Criteria: Ambry Variant Classification Scheme 2023. Collection method: clinical testing. Allele origin: germline.

Revvity Omics, Revvity
Classification: Uncertain significance. Last evaluated: 2021-04-16. Review status: criteria provided, single submitter. Criteria: ACMG Guidelines, 2015. Collection method: clinical testing. Allele origin: germline.

Color Diagnostics, LLC DBA Color Health
Classification: Likely benign for Cardiomyopathy. Last evaluated: 2019-11-13. Review status: criteria provided, single submitter. Criteria: ACMG Guidelines, 2015. Collection method: clinical testing. Allele origin: germline.

Illumina Laboratory Services, Illumina
Classification: Likely benign for Lethal acantholytic epidermolysis bullosa. Last evaluated: 2019-01-31. Review status: criteria provided, single submitter. Criteria: ICSL Variant Classification Criteria 13 December 2019. Collection method: clinical testing. Allele origin: germline.
Comment: This variant was observed as part of a predisposition screen in an ostensibly healthy population. A literature search was performed for the gene, cDNA change, and amino acid change (where applicable). No publications were found based on this search. Allele frequency data from public databases allowed determination this variant is unlikely to cause disease. Therefore, this variant is classified as likely benign.

Illumina Laboratory Services, Illumina
Classification: Likely benign for Arrhythmogenic right ventricular dysplasia 8. Last evaluated: 2019-01-31. Review status: criteria provided, single submitter. Criteria: ICSL Variant Classification Criteria 13 December 2019. Collection method: clinical testing. Allele origin: germline.
Comment: This variant was observed as part of a predisposition screen in an ostensibly healthy population. A literature search was performed for the gene, cDNA change, and amino acid change (where applicable). Publications were found based on this search. The evidence from the literature, in combination with allele frequency data from public databases where available, was sufficient to determine this variant is unlikely to cause disease. Therefore, this variant is classified as likely benign.

Illumina Laboratory Services, Illumina
Classification: Likely benign for Arrhythmogenic cardiomyopathy with wooly hair and keratoderma. Last evaluated: 2019-01-31. Review status: criteria provided, single submitter. Criteria: ICSL Variant Classification Criteria 13 December 2019. Collection method: clinical testing. Allele origin: germline.
Comment: the same text as in the submission from Illumina Laboratory Services, Illumina above.

Laboratory for Molecular Medicine, Mass General Brigham Personalized Medicine
Classification: Likely benign. Last evaluated: 2017-12-05. Review status: criteria provided, single submitter. Criteria: LMM Criteria. Collection method: clinical testing. Allele origin: germline. Observed: 2 variant alleles.
Comment: p.Ala566Thr in exon 13 of DSP: This variant is not expected to have clinical sig nificance because it has been identified in 0.03% (40/126324) of European chrom osomes by the Genome Aggregation Database (gnomAD .org; dbSNP ${MatchVariant_1_dbSNPrsNumber}). ACMG/AMP Criteria applied: BS1.

Fulgent Genetics
Classification: Uncertain significance for Arrhythmogenic cardiomyopathy with wooly hair and keratoderma; Arrhythmogenic right ventricular dysplasia 8; Lethal acantholytic epidermolysis bullosa; Keratosis palmoplantaris striata 2; Cardiomyopathy, dilated, with wooly hair, keratoderma, and tooth agenesis. Last evaluated: 2017-05-23. Review status: criteria provided, single submitter. Criteria: ACMG Guidelines, 2015. Collection method: clinical testing. Allele origin: unknown.